The following is an entry in ClinVar:

NM_004415.4(DSP):c.7372_7373del (p.Lys2458fs)

Gene: DSP (desmoplakin; plus strand). Cytogenetic location: 6p24.3.
Variant type: Deletion.
Coding change: c.7372_7373del on transcript NM_004415.4 (MANE Select); coding-DNA positions 7372 to 7373, 2 bases deleted (AA; older notation c.7372_7373delAA).
Protein change: p.Lys2458fs; shifts the reading frame from lysine 2458.
Molecular consequence: frameshift variant.
Genome position (GRCh38, 1-based): chr6:7,584,634-7,584,635, AA deleted; deleting any 2 consecutive bases within chr6:7,584,632-7,584,635 gives the same sequence; the c. name uses the placement nearest the transcript's 3' end. VCF-style (leftmost placement, unchanged base first): chr6-7584631-CAA-C. GRCh37 (hg19) VCF-style: chr6-7584864-CAA-C.
Other names: c.5575_5576del, p.Lys1859fs (NM_001008844.3); c.6043_6044del, p.Lys2015fs (NM_001319034.2); c.7372_7373delAA (NM_004415.2); short protein forms K1859fs, K2015fs, K2458fs.
Identifiers: ClinVar variation 817831 (VCV000817831.14), dbSNP rs1581823931, ClinGen allele CA915944153.

ClinVar aggregate classification (germline): Pathogenic/Likely pathogenic. Review status: criteria provided, multiple submitters, no conflicts (2 of 4 stars). 3 submissions from 3 submitters: Pathogenic (1); Likely pathogenic (2). Last evaluated 2021-04-18.

Conditions:
Cardiac arrhythmia. Also called: Cardiac rhythm disease; Arrhythmia. Identifiers: MedGen C0003811, MONDO:0007263, HP:0011675.
Arrhythmogenic right ventricular dysplasia 8 (ARVD8). Also called: Arrhythmogenic Right Ventricular Dysplasia/Cardiomyopathy 8; ARRHYTHMOGENIC RIGHT VENTRICULAR DYSPLASIA, FAMILIAL, 8; ARRHYTHMOGENIC RIGHT VENTRICULAR CARDIOMYOPATHY 8. Identifiers: MedGen C1843896, MONDO:0011831, OMIM 607450.
Arrhythmogenic cardiomyopathy with wooly hair and keratoderma. Also called: Carvajal syndrome; Arrhythmogenic cardiomyopathy with woolly hair and keratoderma; PALMOPLANTAR KERATODERMA WITH LEFT VENTRICULAR CARDIOMYOPATHY AND WOOLLY HAIR; Dilated cardiomyopathy with woolly hair and keratoderma. Identifiers: Orphanet 65282, MedGen C1854063, MONDO:0011581, OMIM 605676.

Submissions (3):

Labcorp Genetics (formerly Invitae), Labcorp
Classification: Pathogenic for Arrhythmogenic cardiomyopathy with wooly hair and keratoderma; Arrhythmogenic right ventricular dysplasia 8. Last evaluated: 2021-04-18. Review status: criteria provided, single submitter. Criteria: Invitae Variant Classification Sherloc (09022015). Collection method: clinical testing. Allele origin: germline.
Comment: For these reasons, this variant has been classified as Pathogenic. This variant disrupts the C-terminus of the DSP protein. Other variant(s) that disrupt this region (p.Glu2728Glyfs*11) have been determined to be pathogenic (Invitae). This suggests that variants that disrupt this region of the protein are likely to be causative of disease. This variant has not been reported in the literature in individuals with DSP-related conditions. ClinVar contains an entry for this variant (Variation ID: 817831). This variant is not present in population databases (ExAC no frequency). This sequence change creates a premature translational stop signal (p.Lys2458Glufs*7) in the DSP gene. While this is not anticipated to result in nonsense mediated decay, it is expected to disrupt the last 414 amino acid(s) of the DSP protein.

GeneDx
Classification: Likely pathogenic. Last evaluated: 2020-03-24. Review status: criteria provided, single submitter. Criteria: GeneDx Variant Classification Process June 2021. Collection method: clinical testing. Allele origin: germline. Affected: yes.
Comment: Has not been previously published as pathogenic or benign to our knowledge; Not observed in large population cohorts (Lek et al., 2016); Frameshift variant predicted to result in protein truncation in a gene for which loss-of-function is a known mechanism of disease

Women's Health and Genetics/Laboratory Corporation of America, LabCorp
Classification: Likely pathogenic for Arrhythmia. Last evaluated: 2019-11-25. Review status: criteria provided, single submitter. Criteria: LabCorp Variant Classification Summary - May 2015. Collection method: clinical testing. Allele origin: germline.
Comment: Variant summary: DSP c.7372_7373delAA (p.Lys2458GlufsX7) results in a premature termination codon. Since this variant is located in the last exon (i.e. exon 24) of the DSP gene, it is not predicted to cause nonsense mediated decay (with an absence of the protein), but predicted to result in a truncation of the encoded protein, removing the third Plakin repeat domain (IPR035915) of the DSP protein. Truncations downstream of this position have been reported in several affected individuals (e.g. HGMD, OMIM, PMID: 28527814). The variant was absent in 251232 control chromosomes (gnomAD). To our knowledge, no occurrence of c.7372_7373delAA in individuals affected with Arrhythmia and no experimental evidence demonstrating its impact on protein function have been reported. No clinical diagnostic laboratories have submitted clinical-significance assessments for this variant to ClinVar after 2014. Based on the evidence outlined above, the variant was classified as likely pathogenic.